The following is an entry in ClinVar:

NM_032119.4(ADGRV1):c.7229A>G (p.Tyr2410Cys)

Gene: ADGRV1 (adhesion G protein-coupled receptor V1; plus strand). Cytogenetic location: 5q14.3.
Variant type: single nucleotide variant.
Coding change: c.7229A>G on transcript NM_032119.4 (MANE Select); coding-DNA position 7229, A replaced by G.
Protein change: p.Tyr2410Cys; replaces tyrosine 2410 with cysteine.
Molecular consequence: missense variant. On other transcripts: non-coding transcript variant (1).
Genome position (GRCh38, 1-based): chr5:90,693,985, A>G. VCF-style: chr5-90693985-A-G. GRCh37 (hg19) VCF-style: chr5-89989802-A-G.
Other names: p.Y2410C:TAC>TGC; short protein forms Y2410C.
Identifiers: ClinVar variation 46366 (VCV000046366.32), dbSNP rs111033430, ClinGen allele CA138202.
Genomic context (GRCh38, chr5:90,693,985, plus strand): 5'-GTACTTCCGACATTGATGTAGTGGCTCTGGCAATGGAGGAAGGTCAAGATTTACTGTCCT[A>G]CTATGAATCTCCAATTCAAGGGGTGCCTGACCCACTTTGGAGAACTTGGATGAATGTCTC-3'
Protein context (NP_115495.3, residues 2400-2420): AMEEGQDLLS[Tyr2410Cys]YESPIQGVPD

ClinVar aggregate classification (germline): Benign. Review status: criteria provided, multiple submitters, no conflicts (2 of 4 stars). 11 submissions from 11 submitters: Benign (8). 3 of the submissions do not count toward it. Last evaluated 2026-02-01.

Conditions:
Usher syndrome type 2C. Also called: Usher syndrome, type 2B; USHER SYNDROME, TYPE IIC. Identifiers: Orphanet 231178, Orphanet 886, MedGen C2931213, MONDO:0011558, OMIM 605472.
Febrile seizures, familial, 4 (FEB4). Also called: CONVULSIONS, FAMILIAL FEBRILE, 4. Identifiers: MedGen C1858493, MONDO:0011443, OMIM 604352.

Allele frequency attached by ClinVar (database versions not stated): gnomAD exomes 0.00193 and 0.00496; ExAC 0.00617; gnomAD 0.02084 and 0.02235; TOPMed 0.02288; 1000 Genomes Project 0.02356; 1000 Genomes Project 30x 0.02467; ESP Exome Variant Server 0.02193.
gnomAD v4.1: 6,098 of 1,613,360 alleles (0.38%); highest among the groups gnomAD compares: African/African-American, 7.1%; 189 homozygotes.

Submissions (11):

Labcorp Genetics (formerly Invitae), Labcorp
Classification: Benign. Last evaluated: 2026-02-01. Review status: criteria provided, single submitter. Criteria: Invitae Variant Classification Sherloc (09022015). Collection method: clinical testing. Allele origin: germline.

ARUP Laboratories, Molecular Genetics and Genomics, ARUP Laboratories
Classification: Benign. Last evaluated: 2023-10-16. Review status: criteria provided, single submitter. Criteria: ARUP Molecular Germline Variant Investigation Process 2024. Collection method: clinical testing. Allele origin: germline.

Fulgent Genetics
Classification: Benign for Febrile seizures, familial, 4; Usher syndrome type 2C. Last evaluated: 2021-10-13. Review status: criteria provided, single submitter. Criteria: ACMG Guidelines, 2015. Collection method: clinical testing. Allele origin: unknown.

Mayo Clinic Laboratories, Mayo Clinic
Classification: Benign. Last evaluated: 2020-10-05. Review status: criteria provided, single submitter. Criteria: ACMG Guidelines, 2015. Collection method: clinical testing. Allele origin: germline. Observed: 4 variant alleles.

Illumina Laboratory Services, Illumina
Classification: Benign for Usher syndrome type 2C. Last evaluated: 2018-01-12. Review status: criteria provided, single submitter. Criteria: ICSL Variant Classification Criteria 13 December 2019. Collection method: clinical testing. Allele origin: germline.
Comment: This variant was observed in the ICSL laboratory as part of a predisposition screen in an ostensibly healthy population. It had not been previously curated by ICSL or reported in the Human Gene Mutation Database (HGMD: prior to June 1st, 2018), and was therefore a candidate for classification through an automated scoring system. Utilizing variant allele frequency, disease prevalence and penetrance estimates, and inheritance mode, an automated score was calculated to assess if this variant is too frequent to cause the disease. Based on the score and internal cut-off values, a variant classified as benign is not then subjected to further curation. The score for this variant resulted in a classification of benign for this disease.

Athena Diagnostics
Classification: Benign. Last evaluated: 2017-12-14. Review status: criteria provided, single submitter. Criteria: Athena Diagnostics Criteria. Collection method: clinical testing. Allele origin: germline.

GeneDx
Classification: Benign. Last evaluated: 2013-06-06. Review status: criteria provided, single submitter. Criteria: GeneDx Variant Classification (06012015). Collection method: clinical testing. Allele origin: germline. Affected: yes.
Comment: This variant is considered likely benign or benign based on one or more of the following criteria: it is a conservative change, it occurs at a poorly conserved position in the protein, it is predicted to be benign by multiple in silico algorithms, and/or has population frequency not consistent with disease.

PreventionGenetics, part of Exact Sciences
Classification: Benign. Review status: criteria provided, single submitter. Criteria: ACMG Guidelines, 2015. Collection method: clinical testing. Allele origin: germline.

Laboratory for Molecular Medicine, Mass General Brigham Personalized Medicine
Classification: Benign. Last evaluated: 2009-11-24. Review status: no assertion criteria provided. Collection method: clinical testing. Allele origin: germline. Observed: 31 variant alleles. Not counted in ClinVar's aggregate classification.

Genome Diagnostics Laboratory, University Medical Center Utrecht
Classification: Likely benign. Review status: no assertion criteria provided. Collection method: clinical testing. Allele origin: germline. Affected: yes. Study: VKGL Data-share Consensus. Not counted in ClinVar's aggregate classification.

Laboratory of Diagnostic Genome Analysis, Leiden University Medical Center (LUMC)
Classification: Likely benign. Review status: no assertion criteria provided. Collection method: clinical testing. Allele origin: germline. Affected: yes. Study: VKGL Data-share Consensus. Not counted in ClinVar's aggregate classification.